The following is an entry in ClinVar:

NM_001111125.3(IQSEC2):c.3387C>G (p.Tyr1129Ter)

Gene: IQSEC2 (IQ motif and Sec7 domain ArfGEF 2; minus strand). Cytogenetic location: Xp11.22.
Variant type: single nucleotide variant.
Coding change: c.3387C>G on transcript NM_001111125.3 (MANE Select); coding-DNA position 3387, C replaced by G.
Protein change: p.Tyr1129Ter; replaces tyrosine 1129 with a stop codon.
Molecular consequence: nonsense.
Genome position (GRCh38, 1-based): chrX:53,236,386, G>C on the plus strand (C>G on the coding strand, the complement: IQSEC2 is on the minus strand). VCF-style: chrX-53236386-G-C. GRCh37 (hg19) VCF-style: chrX-53265568-G-C.
Other names: c.2772C>G, p.Tyr924Ter (NM_015075.2); short protein forms Y1129*, Y924*.
Identifiers: ClinVar variation 1075324 (VCV001075324.7), dbSNP rs374220843, ClinGen allele CA413144508.
Genomic context (GRCh38, chrX:53,236,386, plus strand): 5'-ATCAGAGAGGTCTCGCAGGGAACTGCTGAGTGCGCCCCGTTTGAGCCCATCGCCTGCCCC[G>C]TAAGTGTCCTCCAGGCTACTGCGGGCCATCGTCCCATTCACTGAGTCCTTGGCCCCTCCA-3'

ClinVar aggregate classification (germline): Pathogenic (1 of 4 stars; one submission).

Conditions:
Intellectual developmental disorder, X-linked 1. Also called: Atkin Flaitz Patil Smith syndrome; Intellectual disability, X-linked 1; MENTAL RETARDATION, X-LINKED 18; MENTAL RETARDATION, X-LINKED 78. Identifiers: Orphanet 777, MedGen C2931498, MONDO:0010656, OMIM 309530.

Submission:

Labcorp Genetics (formerly Invitae), Labcorp
Classification: Pathogenic for Intellectual developmental disorder, X-linked 1. Last evaluated: 2022-08-23. Review status: criteria provided, single submitter. Criteria: Invitae Variant Classification Sherloc (09022015). Collection method: clinical testing. Allele origin: germline.
Comment: This variant has not been reported in the literature in individuals affected with IQSEC2-related conditions. This sequence change creates a premature translational stop signal (p.Tyr1129*) in the IQSEC2 gene. It is expected to result in an absent or disrupted protein product. Loss-of-function variants in IQSEC2 are known to be pathogenic (PMID: 21686261, 26793055, 27665735). This variant is not present in population databases (gnomAD no frequency). ClinVar contains an entry for this variant (Variation ID: 1075324). For these reasons, this variant has been classified as Pathogenic.

Literature cited by the submitters: PubMed 21686261; PubMed 26793055; PubMed 27665735.